The following is an entry in ClinVar:

ClinVar aggregate classification (germline): Pathogenic. Review status: criteria provided, single submitter (1 of 4 stars). 2 submissions from 2 submitters: Pathogenic (1). 1 of the submissions does not count toward it. Last evaluated 2022-08-09.

Conditions:
Familial cancer of breast. Also called: BREAST CANCER, FAMILIAL; Hereditary breast cancer; hereditary breast carcinoma. Identifiers: Orphanet 227535, MedGen C0346153, MONDO:0016419, OMIM 114480. Disease mechanism: loss of function.
Hereditary breast ovarian cancer syndrome. Also called: Hereditary breast and ovarian cancer syndrome; Hereditary breast and ovarian cancer syndrome (HBOC); Breast and ovarian cancer; Hereditary breast and ovarian cancer; Hereditary breast and/or ovarian cancer syndrome; BRCA1- and BRCA2-Associated Hereditary Breast and Ovarian Cancer. Identifiers: Orphanet 145, MedGen C0677776, MeSH D061325, MONDO:0003582. Disease mechanism: loss of function.

Submissions (2):

Labcorp Genetics (formerly Invitae), Labcorp
Classification: Pathogenic for Hereditary breast ovarian cancer syndrome. Last evaluated: 2022-08-09. Review status: criteria provided, single submitter. Criteria: Invitae Variant Classification Sherloc (09022015). Collection method: clinical testing. Allele origin: germline.
Comment: For these reasons, this variant has been classified as Pathogenic. ClinVar contains an entry for this variant (Variation ID: 1687127). This premature translational stop signal has been observed in individual(s) with breast cancer (PMID: 30720863). This variant is not present in population databases (gnomAD no frequency). This sequence change creates a premature translational stop signal (p.Lys1823*) in the BRCA2 gene. It is expected to result in an absent or disrupted protein product. Loss-of-function variants in BRCA2 are known to be pathogenic (PMID: 20104584).

Center for Precision Medicine, Meizhou People's Hospital
Classification: Pathogenic for Familial cancer of breast. Review status: no assertion criteria provided. Collection method: clinical testing. Allele origin: germline. Affected: yes. Not counted in ClinVar's aggregate classification.

Literature cited by the submitters: PubMed 30720863 (cited by Labcorp Genetics (formerly Invitae), Labcorp); PubMed 20104584 (cited by Labcorp Genetics (formerly Invitae), Labcorp).

NM_000059.4(BRCA2):c.5467A>T (p.Lys1823Ter)

Gene: BRCA2 (BRCA2 DNA repair associated; plus strand). Cytogenetic location: 13q13.1.
Variant type: single nucleotide variant.
Coding change: c.5467A>T on transcript NM_000059.4 (MANE Select); coding-DNA position 5467, A replaced by T.
Protein change: p.Lys1823Ter; replaces lysine 1823 with a stop codon.
Molecular consequence: nonsense.
Genome position (GRCh38, 1-based): chr13:32,339,822, A>T. VCF-style: chr13-32339822-A-T. GRCh37 (hg19) VCF-style: chr13-32913959-A-T.
Other names: c.5467A>T (NM_000059.3); short protein forms K1823*.
Identifiers: ClinVar variation 1687127 (VCV001687127.7), dbSNP rs276174858, ClinGen allele CA387785666.